The following is an entry in ClinVar:

ClinVar aggregate classification (germline): Uncertain significance. Review status: criteria provided, multiple submitters, no conflicts (2 of 4 stars). 2 submissions from 2 submitters: Uncertain significance (2). Last evaluated 2025-09-29.

Conditions:
Inborn genetic diseases. Identifiers: MedGen C0950123, MeSH D030342.

gnomAD v4.1: 84 of 1,614,148 alleles (0.0052%); highest among the groups gnomAD compares: African/African-American, 0.1%; no homozygotes.

Submissions (2):

Labcorp Genetics (formerly Invitae), Labcorp
Classification: Uncertain significance. Last evaluated: 2025-09-29. Review status: criteria provided, single submitter. Criteria: Invitae Variant Classification Sherloc (09022015). Collection method: clinical testing. Allele origin: germline.
Comment: This sequence change replaces glycine, which is neutral and non-polar, with serine, which is neutral and polar, at codon 691 of the LAMB3 protein (p.Gly691Ser). This variant is present in population databases (rs144538210, gnomAD 0.1%). This variant has not been reported in the literature in individuals affected with LAMB3-related conditions. ClinVar contains an entry for this variant (Variation ID: 3290015). Invitae Evidence Modeling of protein sequence and biophysical properties (such as structural, functional, and spatial information, amino acid conservation, physicochemical variation, residue mobility, and thermodynamic stability) indicates that this missense variant is not expected to disrupt LAMB3 protein function with a negative predictive value of 80%. In summary, the available evidence is currently insufficient to determine the role of this variant in disease. Therefore, it has been classified as a Variant of Uncertain Significance.

Ambry Genetics
Classification: Uncertain significance for Inborn genetic diseases. Last evaluated: 2024-06-07. Review status: criteria provided, single submitter. Criteria: Ambry Variant Classification Scheme 2023. Collection method: clinical testing. Allele origin: germline.

NM_000228.3(LAMB3):c.2071G>A (p.Gly691Ser)

Gene: LAMB3 (laminin subunit beta 3; minus strand). Cytogenetic location: 1q32.2.
Variant type: single nucleotide variant.
Coding change: c.2071G>A on transcript NM_000228.3 (MANE Select); coding-DNA position 2071, G replaced by A.
Protein change: p.Gly691Ser; replaces glycine 691 with serine.
Molecular consequence: missense variant.
Genome position (GRCh38, 1-based): chr1:209,623,906, C>T on the plus strand (G>A on the coding strand, the complement: LAMB3 is on the minus strand). VCF-style: chr1-209623906-C-T. GRCh37 (hg19) VCF-style: chr1-209797251-C-T.
Other names: c.2071G>A, p.Gly691Ser (NM_001017402.2, NM_001127641.1); short protein forms G691S.
Identifiers: ClinVar variation 3290015 (VCV003290015.2).